The following is an entry in ClinVar:

NM_001458.5(FLNC):c.5540-6C>A

Genes: FLNC (filamin C; plus strand), FLNC-AS1 (FLNC antisense RNA 1; minus strand). Cytogenetic location: 7q32.1.
Variant type: single nucleotide variant.
Coding change: c.5540-6C>A on transcript NM_001458.5 (MANE Select); 6 bases into the intron before coding-DNA position 5540, C replaced by A.
Molecular consequence: intron variant.
Genome position (GRCh38, 1-based): chr7:128,851,226, C>A. VCF-style: chr7-128851226-C-A. GRCh37 (hg19) VCF-style: chr7-128491280-C-A.
Other names: c.5441-6C>A (NM_001127487.2).
Identifiers: ClinVar variation 574595 (VCV000574595.13), dbSNP rs201335006, ClinGen allele CA4475732.

ClinVar aggregate classification (germline): Likely benign. Review status: criteria provided, single submitter (1 of 4 stars). 2 submissions from 2 submitters: Likely benign (1). 1 of the submissions does not count toward it. Last evaluated 2026-01-12.

Conditions:
Distal myopathy with posterior leg and anterior hand involvement. Also called: WILLIAMS DISTAL MYOPATHY. Identifiers: Orphanet 63273, MedGen C3279722, MONDO:0013550, OMIM 614065.
Myofibrillar myopathy 5. Also called: Filaminopathy (type); FILAMINOPATHY, AUTOSOMAL DOMINANT. Identifiers: Orphanet 171445, MedGen C1836050, MONDO:0012289, OMIM 609524.
Hypertrophic cardiomyopathy 26. Also called: Cardiomyopathy, familial hypertrophic, 26. Identifiers: Orphanet 75249, MedGen C4310749, MONDO:0014883, OMIM 617047.
FLNC-related disorder. Also called: FLNC-related disorders; FLNC-related condition.

Allele frequency attached by ClinVar (database versions not stated): TOPMed 0.00006.
gnomAD v4.1: 13 of 1,613,978 alleles (0.00081%); highest among the groups gnomAD compares: African/African-American, 0.015%; no homozygotes.

Submissions (2):

Labcorp Genetics (formerly Invitae), Labcorp
Classification: Likely benign for Distal myopathy with posterior leg and anterior hand involvement; Myofibrillar myopathy 5; Hypertrophic cardiomyopathy 26. Last evaluated: 2026-01-12. Review status: criteria provided, single submitter. Criteria: Invitae Variant Classification Sherloc (09022015). Collection method: clinical testing. Allele origin: germline.

PreventionGenetics, part of Exact Sciences
Classification: Likely benign for FLNC-related condition. Last evaluated: 2024-07-12. Review status: no assertion criteria provided. Collection method: clinical testing. Allele origin: germline. Not counted in ClinVar's aggregate classification.
Comment: This variant is classified as likely benign based on ACMG/AMP sequence variant interpretation guidelines (Richards et al. 2015 PMID: 25741868, with internal and published modifications).